The following is an entry in ClinVar:

NM_000642.3(AGL):c.1890T>A (p.Cys630Ter)

Gene: AGL (amylo-alpha-1,6-glucosidase and 4-alpha-glucanotransferase; plus strand). Cytogenetic location: 1p21.2.
Variant type: single nucleotide variant.
Coding change: c.1890T>A on transcript NM_000642.3 (MANE Select); coding-DNA position 1890, T replaced by A.
Protein change: p.Cys630Ter; replaces cysteine 630 with a stop codon.
Molecular consequence: nonsense.
Genome position (GRCh38, 1-based): chr1:99,880,786, T>A. VCF-style: chr1-99880786-T-A. GRCh37 (hg19) VCF-style: chr1-100346342-T-A.
Other names: c.1890T>A, p.Cys630Ter (NM_000028.3, NM_000643.3, NM_000644.3 and 2 more transcripts); c.1842T>A, p.Cys614Ter (NM_000646.3); c.1689T>A, p.Cys563Ter (NM_001425327.1); c.1686T>A, p.Cys562Ter (NM_001425328.1, NM_001425329.1); c.1512T>A, p.Cys504Ter (NM_001425332.1); short protein forms C614*, C630*, C504*, C562*, C563*.
Identifiers: ClinVar variation 984159 (VCV000984159.3), dbSNP rs1651951474, ClinGen allele CA341317133.
Genomic context (GRCh38, chr1:99,880,786, plus strand): 5'-GCCTTTAATGCCAGCTATTGCACATGCCCTGTTTATGGATATTACGCATGATAATGAGTG[T>A]CCTATTGTGGTAAGCACCTAATCTTTTTCATGTACTTATTTTGCTAAATGCTTTGATATT-3'

ClinVar aggregate classification (germline): Likely pathogenic (1 of 4 stars; one submission).

Conditions:
Glycogen storage disease type III (GSD3). Also called: Cori disease; FORBES DISEASE. Identifiers: Orphanet 366, MedGen C0017922, MONDO:0009291, OMIM 232400.

Submission:

Myriad Genetics, Inc.
Classification: Likely pathogenic for Glycogen storage disease type III. Last evaluated: 2019-07-07. Review status: criteria provided, single submitter. Criteria: Myriad Women's Health Autosomal Recessive and X-Linked Classification Criteria (2019). Collection method: clinical testing. Allele origin: unknown.
Comment: NM_000642.2(AGL):c.1890T>A(C630*) is expected to be pathogenic in the context of glycogen storage disease type III. This variant is predicted to lead to an abnormal or absent protein product due to the creation of a premature termination codon in AGL, a gene where loss-of-function variants are known to be pathogenic. Please note: this variant was assessed in the context of healthy population screening.